The following is an entry in ClinVar:

NM_080680.3(COL11A2):c.3015A>T (p.Glu1005Asp)

Gene: COL11A2 (collagen type XI alpha 2 chain; minus strand). Cytogenetic location: 6p21.32.
Variant type: single nucleotide variant.
Coding change: c.3015A>T on transcript NM_080680.3 (MANE Select); coding-DNA position 3015, A replaced by T.
Protein change: p.Glu1005Asp; replaces glutamic acid 1005 with aspartic acid.
Molecular consequence: missense variant.
Genome position (GRCh38, 1-based): chr6:33,172,077, T>A on the plus strand (A>T on the coding strand, the complement: COL11A2 is on the minus strand). VCF-style: chr6-33172077-T-A. GRCh37 (hg19) VCF-style: chr6-33139854-T-A.
Other names: c.2694A>T, p.Glu898Asp (NM_080679.3); c.2757A>T, p.Glu919Asp (NM_080681.3); short protein forms E1005D, E898D, E919D.
Identifiers: ClinVar variation 1519150 (VCV001519150.6), dbSNP rs1770170594, ClinGen allele CA363636661.
Genomic context (GRCh38, chr6:33,172,077, plus strand): 5'-TCCTTCCTACCACTTCCGGAACCCCAGACTCACTGCAGGGCCAGGGGGGCCAGACGGACC[T>A]TCATTCCCCTTCAAACCAGGTCCACCCTATGAACCAGACATTTGGGGAAGATGAGACTTC-3'
Protein context (NP_542411.2, residues 995-1015): TAGGPGLKGN[Glu1005Asp]GPSGPPGPAG

ClinVar aggregate classification (germline): Uncertain significance (1 of 4 stars; one submission).

Allele frequency attached by ClinVar (database versions not stated): TOPMed below 0.00001.

Submission:

Labcorp Genetics (formerly Invitae), Labcorp
Classification: Uncertain significance. Last evaluated: 2023-09-07. Review status: criteria provided, single submitter. Criteria: Invitae Variant Classification Sherloc (09022015). Collection method: clinical testing. Allele origin: germline.
Comment: This sequence change replaces glutamic acid, which is acidic and polar, with aspartic acid, which is acidic and polar, at codon 1005 of the COL11A2 protein (p.Glu1005Asp). This variant is not present in population databases (gnomAD no frequency). In summary, the available evidence is currently insufficient to determine the role of this variant in disease. Therefore, it has been classified as a Variant of Uncertain Significance. Algorithms developed to predict the effect of sequence changes on RNA splicing suggest that this variant may disrupt the consensus splice site. Advanced modeling of protein sequence and biophysical properties (such as structural, functional, and spatial information, amino acid conservation, physicochemical variation, residue mobility, and thermodynamic stability) performed at Invitae indicates that this missense variant is not expected to disrupt COL11A2 protein function. ClinVar contains an entry for this variant (Variation ID: 1519150). This variant has not been reported in the literature in individuals affected with COL11A2-related conditions.